The following is an entry in ClinVar:

NM_016008.4(DYNC2LI1):c.802+2T>A

Gene: DYNC2LI1 (dynein cytoplasmic 2 light intermediate chain 1; plus strand). Cytogenetic location: 2p21.
Variant type: single nucleotide variant.
Coding change: c.802+2T>A on transcript NM_016008.4 (MANE Select); the canonical splice donor site of the intron after coding-DNA position 802, T replaced by A.
Molecular consequence: splice donor variant.
Genome position (GRCh38, 1-based): chr2:43,801,711, T>A. VCF-style: chr2-43801711-T-A. GRCh37 (hg19) VCF-style: chr2-44028850-T-A.
Other names: c.805+2T>A (NM_001348913.2, NM_001193464.2); c.802+2T>A (NM_001348912.2).
Identifiers: ClinVar variation 2013260 (VCV002013260.4), dbSNP rs2467082938, ClinGen allele CA346660376.

ClinVar aggregate classification (germline): Likely pathogenic (1 of 4 stars; one submission).

Submission:

Labcorp Genetics (formerly Invitae), Labcorp
Classification: Likely pathogenic. Last evaluated: 2024-04-10. Review status: criteria provided, single submitter. Criteria: Invitae Variant Classification Sherloc (09022015). Collection method: clinical testing. Allele origin: germline.
Comment: This sequence change affects a donor splice site in intron 10 of the DYNC2LI1 gene. It is expected to disrupt RNA splicing. Variants that disrupt the donor or acceptor splice site typically lead to a loss of protein function (PMID: 16199547), and loss-of-function variants in DYNC2LI1 are known to be pathogenic (PMID: 26077881, 26130459). This variant is not present in population databases (gnomAD no frequency). This variant has not been reported in the literature in individuals affected with DYNC2LI1-related conditions. ClinVar contains an entry for this variant (Variation ID: 2013260). Algorithms developed to predict the effect of sequence changes on RNA splicing suggest that this variant may disrupt the consensus splice site. In summary, the currently available evidence indicates that the variant is pathogenic, but additional data are needed to prove that conclusively. Therefore, this variant has been classified as Likely Pathogenic.

Literature cited by the submitters: PubMed 16199547; PubMed 26077881; PubMed 26130459.